The following is an entry in ClinVar:

NM_015909.4(NBAS):c.648-3T>G

Gene: NBAS (NBAS subunit of NRZ tethering complex; minus strand). Cytogenetic location: 2p24.3.
Variant type: single nucleotide variant.
Coding change: c.648-3T>G on transcript NM_015909.4 (MANE Select); 3 bases into the intron before coding-DNA position 648, T replaced by G.
Molecular consequence: intron variant.
Genome position (GRCh38, 1-based): chr2:15,534,644, A>C on the plus strand (T>G on the coding strand, the complement: NBAS is on the minus strand). VCF-style: chr2-15534644-A-C. GRCh37 (hg19) VCF-style: chr2-15674768-A-C.
Identifiers: ClinVar variation 2123972 (VCV002123972.4), dbSNP rs1663395734, ClinGen allele CA1027858303.

ClinVar aggregate classification (germline): Uncertain significance (1 of 4 stars; one submission).

Allele frequency attached by ClinVar (database versions not stated): TOPMed below 0.00001; gnomAD 0.00001.
gnomAD v4.1: 1 of 1,604,546 alleles (0.000062%); highest among the groups gnomAD compares: Admixed American, 0.0017%; no homozygotes.

Submission:

Labcorp Genetics (formerly Invitae), Labcorp
Classification: Uncertain significance. Last evaluated: 2022-04-09. Review status: criteria provided, single submitter. Criteria: Invitae Variant Classification Sherloc (09022015). Collection method: clinical testing. Allele origin: germline.
Comment: In summary, the available evidence is currently insufficient to determine the role of this variant in disease. Therefore, it has been classified as a Variant of Uncertain Significance. Variants that disrupt the consensus splice site are a relatively common cause of aberrant splicing (PMID: 17576681, 9536098). Algorithms developed to predict the effect of sequence changes on RNA splicing suggest that this variant may disrupt the consensus splice site. This variant has not been reported in the literature in individuals affected with NBAS-related conditions. This variant is not present in population databases (gnomAD no frequency). This sequence change falls in intron 8 of the NBAS gene. It does not directly change the encoded amino acid sequence of the NBAS protein. It affects a nucleotide within the consensus splice site.

Literature cited by the submitters: PubMed 17576681; PubMed 9536098.